The following is an entry in ClinVar:

NM_000492.4(CFTR):c.2875del (p.Ala959fs)

Gene: CFTR (CF transmembrane conductance regulator; plus strand). Cytogenetic location: 7q31.2.
Variant type: Deletion.
Coding change: c.2875del on transcript NM_000492.4 (MANE Select); coding-DNA position 2875, one base deleted (G; older notation c.2875delG).
Protein change: p.Ala959fs; shifts the reading frame from alanine 959.
Molecular consequence: frameshift variant.
Genome position (GRCh38, 1-based): chr7:117,603,749, G deleted. VCF-style (leftmost placement, unchanged base first): chr7-117603748-AG-A. GRCh37 (hg19) VCF-style: chr7-117243802-AG-A.
Other names: 3007delG; c.2875delG (NM_000492.3); short protein forms A959fs.
Identifiers: ClinVar variation 53583 (VCV000053583.25), dbSNP rs397508447, ClinGen allele CA345316.

ClinVar aggregate classification (germline): Pathogenic. Review status: reviewed by expert panel (3 of 4 stars). 12 submissions from 12 submitters: Pathogenic (1). 11 of the submissions do not count toward it. Last evaluated 2017-03-17.

Conditions:
Cystic fibrosis diagnostic test.
CFTR-related disorder (CFTR-RD). Also called: CFTR-related condition; CFTR-related disorders. Identifiers: MedGen C5924204, MONDO:7770004.
Cystic fibrosis (CF). Also called: MUCOVISCIDOSIS. Identifiers: Orphanet 586, MedGen C0010674, MONDO:0009061, OMIM 219700. Disease mechanism: loss of function.

Allele frequency attached by ClinVar (database versions not stated): gnomAD exomes 0.00001 and below 0.00001; ESP Exome Variant Server 0.00008; ExAC 0.00001.

Submissions (12):

CFTR2
Classification: Pathogenic for Cystic fibrosis. Last evaluated: 2017-03-17. Review status: reviewed by expert panel. Criteria: Sosnay PR et al. (Nat Genet 2013). Collection method: research. Allele origin: germline. Affected: yes. Study: CFTR2.

NHS Central & South Genomic Laboratory Hub
Classification: Pathogenic for Cystic fibrosis diagnostic test. Last evaluated: 2025-10-21. Review status: criteria provided, single submitter. Criteria: ACMG Guidelines, 2015. Collection method: clinical testing. Allele origin: germline. Affected: yes. Not counted in ClinVar's aggregate classification.

Natera, Inc.
Classification: Pathogenic for CFTR-related disorders. Last evaluated: 2025-09-09. Review status: criteria provided, single submitter. Criteria: Natera Variant Classification Schema (03/2026). Collection method: clinical testing. Allele origin: germline. Not counted in ClinVar's aggregate classification.
Comment: The c.2875delG variant in CFTR is a frameshift variant predicted to shift the reading frame beginning at codon 959 and leads to a stop codon 9 codons downstream. This variant is expected to result in nonsense mediated decay, truncation, or a dysfunctional protein product. This variant is rare in the general population with a frequency below the threshold expected for the associated phenotype(s). This variant has been observed in one or more individuals affected with the associated recessive disease, as either homozygous or compound heterozygous with a second variant (PMID: 7530553). Given the available evidence, this variant is classified as Pathogenic.

Labcorp Genetics (formerly Invitae), Labcorp
Classification: Pathogenic for Cystic fibrosis. Last evaluated: 2025-03-24. Review status: criteria provided, single submitter. Criteria: Invitae Variant Classification Sherloc (09022015). Collection method: clinical testing. Allele origin: germline. Not counted in ClinVar's aggregate classification.
Comment: This sequence change creates a premature translational stop signal (p.Ala959Hisfs*9) in the CFTR gene. It is expected to result in an absent or disrupted protein product. Loss-of-function variants in CFTR are known to be pathogenic (PMID: 1695717, 7691345, 9725922). This variant is present in population databases (rs397508447, gnomAD 0.0009%). This premature translational stop signal has been observed in individual(s) with cystic fibrosis (PMID: 23974870). ClinVar contains an entry for this variant (Variation ID: 53583). For these reasons, this variant has been classified as Pathogenic.

Ambry Genetics
Classification: Pathogenic for Cystic fibrosis. Last evaluated: 2024-04-11. Review status: criteria provided, single submitter. Criteria: Ambry Variant Classification Scheme 2023. Collection method: clinical testing. Allele origin: germline. Not counted in ClinVar's aggregate classification.
Comment: The c.2875delG pathogenic mutation, located in coding exon 17 of the CFTR gene, results from a deletion of one nucleotide at nucleotide position 2875, causing a translational frameshift with a predicted alternate stop codon (p.A959Hfs*9). This alteration is associated with elevated sweat chloride levels, decreased lung function, pancreatic insufficiency, and Pseudomonas infection (Sosnay PR, Nat. Genet. 2013 Oct; 45(10):1160-7). In addition to the clinical data presented in the literature, this alteration is expected to result in loss of function by premature protein truncation or nonsense-mediated mRNA decay. As such, this alteration is interpreted as a disease-causing mutation.

Institute of Human Genetics, University of Leipzig Medical Center
Classification: Pathogenic for Cystic fibrosis. Last evaluated: 2022-09-05. Review status: criteria provided, single submitter. Criteria: ACMG Guidelines, 2015. Collection method: curation. Allele origin: unknown. Affected: yes. Observed: 1 variant allele. Not counted in ClinVar's aggregate classification.
Comment: The variant was classified in the context of a project re-classifying variants in the German Cystic Fibrosis Registry (Muko.e.V.). Criteria applied: PVS1, PM2_SUP, PM3_VSTR

Johns Hopkins Genomics, Johns Hopkins University
Classification: Pathogenic for Cystic fibrosis. Last evaluated: 2020-04-22. Review status: criteria provided, single submitter. Criteria: ACMG Guidelines, 2015. Collection method: clinical testing. Allele origin: germline. Not counted in ClinVar's aggregate classification.
Comment: Disease-causing CFTR variant. See CFTR2 for phenotype information.

Quest Diagnostics Nichols Institute San Juan Capistrano
Classification: Pathogenic. Last evaluated: 2019-04-13. Review status: criteria provided, single submitter. Criteria: Quest Diagnostics criteria. Collection method: clinical testing. Allele origin: germline. Not counted in ClinVar's aggregate classification.
Comment: The variant results in a shift of the reading frame, and is therefore predicted to result in the loss of a functional protein. Found in at least one symptomatic patient, and found in general population data that is consistent with pathogenicity.

Illumina Laboratory Services, Illumina
Classification: Pathogenic for CFTR-Related Disorders. Last evaluated: 2018-11-02. Review status: criteria provided, single submitter. Criteria: ICSL Variant Classification Criteria 09 May 2019. Collection method: clinical testing. Allele origin: germline. Not counted in ClinVar's aggregate classification.
Comment: The CFTR c.2875delG (p.Ala959HisfsTer9) variant, also referred to in the literature as c.3007delG, results in a frameshift and a premature truncation of the protein. This variant is widely reported in the literature and is classified as a cystic fibrosis (CF)-causing mutation according to the CFTR2 mutation database. The database states the mutation has been observed in 40 CF individuals. Across a selection of the available literature, the p.Ala959HisfsTer9 variant was found in three compound heterozygous CF probands, in seven heterozygous probands with CF or congenital bilateral absence of vas deferens (CBAVD) and in 31 additional proband alleles (Mercier et al. 1994; Claustres et al. 2000; Scotet et al. 2003; des Georges et al. 2004; Dorfman et al. 2010; Sosnay et al. 2013). Control data are unavailable for this variant, which is reported at a frequency of 0.00012 in the European American population of the Exome Sequencing Project but this is based on one allele in a region of good sequencing coverage, so the variant is presumed to be rare. Based on the collective evidence and the potential impact of frameshift variants, the p.Ala959HisfsTer9 variant is classified as pathogenic for CFTR-related disorders. This variant was observed by ICSL as part of a predisposition screen in an ostensibly healthy population.

Women's Health and Genetics/Laboratory Corporation of America, LabCorp
Classification: Pathogenic. Last evaluated: 2018-07-31. Review status: criteria provided, single submitter. Criteria: LabCorp Variant Classification Summary - May 2015. Collection method: clinical testing. Allele origin: germline. Not counted in ClinVar's aggregate classification.
Comment: Variant summary: CFTR c.2875delG (p.Ala959HisfsX9) results in a premature termination codon, predicted to cause a truncation of the encoded protein or absence of the protein due to nonsense mediated decay, which are commonly known mechanisms for disease. Truncations downstream of this position have been classified as pathogenic by our laboratory (e.g., p.Trp1089X, p.Tyr1092X). The variant allele was found at a frequency of 4.1e-06 in 246118 control chromosomes. c.2875delG has been reported in the literature in multiple individuals affected with Cystic Fibrosis. These data indicate that the variant is very likely to be associated with disease. One clinical diagnostic laboratory has submitted clinical-significance assessments for this variant to ClinVar after 2014 without evidence for independent evaluation and classified the variant as pathogenic. Based on the evidence outlined above, the variant was classified as pathogenic.

CFTR-France
Classification: Pathogenic for cystic fibrosis. Last evaluated: 2018-01-29. Review status: criteria provided, single submitter. Criteria: Claustres M et al. (Hum Mutat 2017). Collection method: curation. Allele origin: germline. Affected: yes. Not counted in ClinVar's aggregate classification.

Counsyl
Classification: Likely pathogenic for Cystic fibrosis. Last evaluated: 2014-10-14. Review status: no assertion criteria provided. Collection method: literature only. Allele origin: unknown. Inheritance: Autosomal recessive inheritance. Not counted in ClinVar's aggregate classification.

Literature cited by the submitters: PubMed 7530553 (cited by 4 submitters); PubMed 1695717 (cited by Labcorp Genetics (formerly Invitae), Labcorp); PubMed 7691345 (cited by Labcorp Genetics (formerly Invitae), Labcorp); PubMed 9725922 (cited by Labcorp Genetics (formerly Invitae), Labcorp); PubMed 23974870 (cited by 6 submitters); PubMed 22658665 (cited by Quest Diagnostics Nichols Institute San Juan Capistrano and Counsyl); PubMed 25674778 (cited by Quest Diagnostics Nichols Institute San Juan Capistrano); PubMed 12815607 (cited by Illumina Laboratory Services, Illumina); PubMed 15698946 (cited by Illumina Laboratory Services, Illumina); PubMed 10923036 (cited by Illumina Laboratory Services, Illumina and Women's Health and Genetics/Laboratory Corporation of America, LabCorp); PubMed 20059485 (cited by Illumina Laboratory Services, Illumina); PubMed 20932301 (cited by Counsyl).